The following is an entry in ClinVar:

NM_000038.6(APC):c.5382C>T (p.Asp1794=)

Gene: APC (APC regulator of Wnt signaling pathway; plus strand). Cytogenetic location: 5q22.2.
Variant type: single nucleotide variant.
Coding change: c.5382C>T on transcript NM_000038.6 (MANE Select); coding-DNA position 5382, C replaced by T.
Protein change: p.Asp1794=; no amino-acid change (aspartic acid 1794 retained).
Molecular consequence: synonymous variant.
Genome position (GRCh38, 1-based): chr5:112,840,976, C>T. VCF-style: chr5-112840976-C-T. GRCh37 (hg19) VCF-style: chr5-112176673-C-T.
Other names: c.5382C>T, p.Asp1794= (NM_001127510.3, NM_001354895.2); c.5328C>T, p.Asp1776= (NM_001127511.3); c.5436C>T, p.Asp1812= (NM_001354896.2); c.5412C>T, p.Asp1804= (NM_001354897.2); c.5307C>T, p.Asp1769= (NM_001354898.2); c.5298C>T, p.Asp1766= (NM_001354899.2); c.5259C>T, p.Asp1753= (NM_001354900.2); c.5205C>T, p.Asp1735= (NM_001354901.2); and 5 more.
Identifiers: ClinVar variation 490306 (VCV000490306.19), dbSNP rs566370229, ClinGen allele CA041769.

ClinVar aggregate classification (germline): Benign/Likely benign. Review status: criteria provided, multiple submitters, no conflicts (2 of 4 stars). 5 submissions from 5 submitters: Benign (1); Likely benign (4). Last evaluated 2025-10-13.

Conditions:
Familial adenomatous polyposis 1 (FAP1). Also called: POLYPOSIS, ADENOMATOUS INTESTINAL; FAMILIAL ADENOMATOUS POLYPOSIS 1, ATTENUATED. Identifiers: MedGen C2713442, MONDO:0021056, OMIM 175100. Disease mechanism: loss of function.
Hereditary cancer-predisposing syndrome. Also called: Tumor predisposition; Hereditary Cancer Syndrome; Neoplastic Syndromes, Hereditary; Hereditary neoplastic syndrome. Identifiers: Orphanet 140162, MedGen C0027672, MeSH D009386, MONDO:0015356.

Allele frequency attached by ClinVar (database versions not stated): gnomAD below 0.00001 and 0.00002; gnomAD exomes 0.00001 and 0.00002; ExAC 0.00002; 1000 Genomes Project 0.00020; 1000 Genomes Project 30x 0.00031.
gnomAD v4.1: 17 of 1,612,544 alleles (0.0011%); highest among the groups gnomAD compares: South Asian, 0.019%; no homozygotes.

Submissions (5):

Labcorp Genetics (formerly Invitae), Labcorp
Classification: Likely benign for Familial adenomatous polyposis 1. Last evaluated: 2025-10-13. Review status: criteria provided, single submitter. Criteria: Invitae Variant Classification Sherloc (09022015). Collection method: clinical testing. Allele origin: germline.

Myriad Genetics, Inc.
Classification: Benign for Familial adenomatous polyposis 1. Last evaluated: 2024-04-02. Review status: criteria provided, single submitter. Criteria: Myriad Autosomal Dominant, Autosomal Recessive and X-Linked Classification Criteria (2023). Collection method: clinical testing. Allele origin: unknown.
Comment: This variant is considered benign. This variant is a silent/synonymous amino acid change and it is not expected to impact splicing.

Blueprint Genetics
Classification: Likely benign. Last evaluated: 2024-03-07. Review status: criteria provided, single submitter. Criteria: ACMG Guidelines, 2015. Collection method: clinical testing. Allele origin: germline.

Ambry Genetics
Classification: Likely benign for Hereditary cancer-predisposing syndrome. Last evaluated: 2020-11-10. Review status: criteria provided, single submitter. Criteria: Ambry Variant Classification Scheme 2023. Collection method: clinical testing. Allele origin: germline.

Color Diagnostics, LLC DBA Color Health
Classification: Likely benign for Hereditary cancer-predisposing syndrome. Last evaluated: 2017-03-07. Review status: criteria provided, single submitter. Criteria: ACMG Guidelines, 2015. Collection method: clinical testing. Allele origin: germline.